The following is an entry in ClinVar:

NM_018979.4(WNK1):c.3906T>C (p.Ser1302=)

Gene: WNK1 (WNK lysine deficient protein kinase 1; plus strand). Cytogenetic location: 12p13.33.
Variant type: single nucleotide variant.
Coding change: c.3906T>C on transcript NM_018979.4 (MANE Select); coding-DNA position 3906, T replaced by C.
Protein change: p.Ser1302=; no amino-acid change (serine 1302 retained).
Molecular consequence: synonymous variant.
Genome position (GRCh38, 1-based): chr12:884,710, T>C. VCF-style: chr12-884710-T-C. GRCh37 (hg19) VCF-style: chr12-993876-T-C.
Other names: c.4686T>C, p.Ser1562= (NM_001184985.2); c.3165T>C, p.Ser1055= (NM_014823.3); c.4662T>C, p.Ser1554= (NM_213655.5).
Identifiers: ClinVar variation 1665896 (VCV001665896.32), dbSNP rs1318518629, ClinGen allele CA478083394.

ClinVar aggregate classification (germline): Likely benign. Review status: criteria provided, multiple submitters, no conflicts (2 of 4 stars). 3 submissions from 3 submitters: Likely benign (3). Last evaluated 2025-02-16.

Conditions:
Pseudohypoaldosteronism type 2C (PHA2C). Also called: Pseudohypoaldosteronism Type IIC. Identifiers: Orphanet 757, Orphanet 88940, MedGen C1840391, MONDO:0013778, OMIM 614492.
Neuropathy, hereditary sensory and autonomic, type 2A (HSAN2A). Also called: ACROOSTEOLYSIS, GIACCAI TYPE; ACROOSTEOLYSIS, NEUROGENIC; MORVAN DISEASE; NEUROPATHY, CONGENITAL SENSORY; NEUROPATHY, HEREDITARY SENSORY RADICULAR, AUTOSOMAL RECESSIVE; NEUROPATHY, HEREDITARY SENSORY, TYPE IIA. Identifiers: Orphanet 970, MedGen C2752089, MONDO:0024309, OMIM 201300.

Allele frequency attached by ClinVar (database versions not stated): gnomAD exomes below 0.00001; TOPMed below 0.00001; gnomAD 0.00002.
gnomAD v4.1: 9 of 1,614,064 alleles (0.00056%); highest among the groups gnomAD compares: Non-Finnish European, 0.00068%; no homozygotes.

Submissions (3):

Laboratory of Genetics, Children's Clinical University Hospital Latvia
Classification: Likely benign. Last evaluated: 2025-02-16. Review status: criteria provided, single submitter. Criteria: ACMG Guidelines, 2015. Collection method: clinical testing. Allele origin: germline. Affected: yes.

Labcorp Genetics (formerly Invitae), Labcorp
Classification: Likely benign for Neuropathy, hereditary sensory and autonomic, type 2A; Pseudohypoaldosteronism type 2C. Last evaluated: 2024-09-11. Review status: criteria provided, single submitter. Criteria: Invitae Variant Classification Sherloc (09022015). Collection method: clinical testing. Allele origin: germline.

CeGaT Center for Human Genetics Tuebingen
Classification: Likely benign. Last evaluated: 2022-08-01. Review status: criteria provided, single submitter. Criteria: CeGaT Center For Human Genetics Tuebingen Variant Classification Criteria Version 2. Collection method: clinical testing. Allele origin: germline. Affected: yes. Observed: 1 variant allele.
Comment: WNK1: BP4, BP7